The following is an entry in ClinVar:

ClinVar aggregate classification (germline): Conflicting classifications of pathogenicity. Review status: criteria provided, conflicting classifications (1 of 4 stars). 7 submissions from 7 submitters: Likely pathogenic (2); Uncertain significance (2). 3 of the submissions do not count toward it. Last evaluated 2026-03-18.

Conditions:
Eichsfeld type congenital muscular dystrophy (CMYO3). Also called: MYOPATHY, SEPN1-RELATED; SELENON-related myopathy; Congenital myopathy 3 with rigid spine; Rigid spine muscular dystrophy 1. Identifiers: MedGen C0410180, MONDO:0100100, OMIM 602771.
Congenital myopathy with fiber type disproportion. Also called: Congenital fiber-type disproportion myopathy; Congenital fiber-type disproportion. Identifiers: Orphanet 2020, MedGen C0546264, MONDO:0009711. Inheritance: all.

Submissions (7):

Women's Health and Genetics/Laboratory Corporation of America, LabCorp
Classification: Likely pathogenic for Eichsfeld type congenital muscular dystrophy. Last evaluated: 2026-03-18. Review status: criteria provided, single submitter. Criteria: LabCorp Variant Classification Summary - May 2015. Collection method: clinical testing. Allele origin: germline.
Comment: Variant summary: SELENON c.402_403+2delGAGT is located in a canonical splice-site and is predicted to affect mRNA splicing resulting in a significantly altered protein due to either exon skipping, shortening, or inclusion of intronic material. Variants that disrupt the consensus splice site are a relatively common cause of aberrant splicing and loss of SELENON function. Several computational tools predict a significant impact on normal splicing: Five predict the variant abolishes a 5 splicing donor site. However, these predictions have yet to be confirmed by functional studies. The variant allele was found at a frequency of 0.00011 in 35924 control chromosomes, predominantly at a frequency of 0.0026 within the African or African-American subpopulation in the gnomAD database. c.402_403+2delGAGT has been observed in an individual affected with sudden death (Salfati_2019). This report does not provide unequivocal conclusions about association of the variant with Eichsfeld Type Congenital Muscular Dystrophy. To our knowledge, no experimental evidence demonstrating an impact on protein function has been reported. The following publication has been ascertained in the context of this evaluation (PMID: 31847883). ClinVar contains an entry for this variant (Variation ID: 461633). Based on the evidence outlined above, the variant was classified as likely pathogenic.

Labcorp Genetics (formerly Invitae), Labcorp
Classification: Likely pathogenic for Eichsfeld type congenital muscular dystrophy. Last evaluated: 2025-10-14. Review status: criteria provided, single submitter. Criteria: Invitae Variant Classification Sherloc (09022015). Collection method: clinical testing. Allele origin: germline.
Comment: This variant results in the deletion of part of exon 3 (c.402_403+2del) of the SELENON gene. It is expected to disrupt RNA splicing. Variants that disrupt the donor or acceptor splice site typically lead to a loss of protein function (PMID: 16199547), and loss-of-function variants in SELENON are known to be pathogenic (PMID: 21131290, 21670436). This variant is present in population databases (rs773670891, gnomAD 0.1%). This variant has been observed in individual(s) with clinical features of SELENON-related conditions (PMID: 31847883). ClinVar contains an entry for this variant (Variation ID: 461633). In summary, the currently available evidence indicates that the variant is pathogenic, but additional data are needed to prove that conclusively. Therefore, this variant has been classified as Likely Pathogenic.

Revvity Omics, Revvity
Classification: Uncertain significance for Eichsfeld type congenital muscular dystrophy. Last evaluated: 2024-06-06. Review status: criteria provided, single submitter. Criteria: ACMG Guidelines, 2015. Collection method: clinical testing. Allele origin: germline.

Broad Center for Mendelian Genomics, Broad Institute of MIT and Harvard
Classification: Uncertain significance. Last evaluated: 2023-01-24. Review status: criteria provided, single submitter. Criteria: ACMG Guidelines, 2015. Collection method: curation. Allele origin: germline. Inheritance: Autosomal recessive inheritance.
Comment: The c.402_403+2del variant in SELENON has not been previously reported in the literature in individuals with SELENON-RM but has been identified in 0.1% (13/9840) of African/African American chromosomes by the Genome Aggregation Database (gnomAD; dbSNP ID: rs773670891). Although this variant has been seen in the general population in a heterozygous state, its frequency is not high enough to rule out a pathogenic role. This variant has also been reported in ClinVar (Variation ID#: 461633) and has been interpreted as likely pathogenic by Invitae, GeneDx, and PerkinElmer Genomics. Conservation and expression data indicate that this exon might not be biologically relevant for this disease, and therefore this variant is not expected to result in loss of function of SELENON. In summary, the clinical significance of the c.402_403+2del variant is uncertain. ACMG/AMP Criteria applied: none (Richards 2015).

Department of Pathology and Laboratory Medicine, Sinai Health System
Classification: Likely pathogenic for Eichsfeld type congenital muscular dystrophy. Last evaluated: 2022-05-18. Review status: flagged submission. Criteria: ACMG Guidelines, 2015. Collection method: research. Allele origin: germline. Not counted in ClinVar's aggregate classification.
ClinVar note: Notes: This variant occurs in a poorly expressed exon, absent from the most highly expressed transcript of this gene. Additional evidence besides predicted LOF effect is needed.
ClinVar note: Reason: Claim with insufficient supporting evidence

Fulgent Genetics
Classification: Pathogenic for Congenital myopathy 4A, autosomal dominant; Eichsfeld type congenital muscular dystrophy. Last evaluated: 2021-11-04. Review status: flagged submission. Criteria: ACMG Guidelines, 2015. Collection method: clinical testing. Allele origin: unknown. Not counted in ClinVar's aggregate classification.
ClinVar note: Notes: This variant occurs in a poorly expressed exon, absent from the most highly expressed transcript of this gene. Additional evidence besides predicted LOF effect is needed.
ClinVar note: Reason: Claim with insufficient supporting evidence

GeneDx
Classification: Likely pathogenic. Last evaluated: 2021-03-12. Review status: flagged submission. Criteria: GeneDx Variant Classification Process June 2021. Collection method: clinical testing. Allele origin: germline. Affected: yes. Not counted in ClinVar's aggregate classification.
Comment: Canonical splice site variant expected to result in aberrant splicing, although in the absence of functional evidence the actual effect of this sequence change is unknown.; Deletions involving coding exons of this gene are a known mechanism of disease; Has not been previously published as pathogenic or benign to our knowledge; This variant is associated with the following publications: (PMID: 21131290, 21670436)
ClinVar note: Notes: This variant occurs in a poorly expressed exon, absent from the most highly expressed transcript of this gene. Additional evidence besides predicted LOF effect is needed.
ClinVar note: Reason: Claim with insufficient supporting evidence

Literature cited by the submitters: PubMed 31847883 (cited by Women's Health and Genetics/Laboratory Corporation of America, LabCorp and Labcorp Genetics (formerly Invitae), Labcorp); PubMed 16199547 (cited by Labcorp Genetics (formerly Invitae), Labcorp); PubMed 21131290 (cited by Labcorp Genetics (formerly Invitae), Labcorp); PubMed 21670436 (cited by Labcorp Genetics (formerly Invitae), Labcorp).

NM_206926.2(SELENON):c.301+956_301+959del

Gene: SELENON (selenoprotein N; plus strand). Cytogenetic location: 1p36.11.
Variant type: Deletion.
Coding change: c.301+956_301+959del on transcript NM_206926.2 (MANE Select); bases 956 to 959 of the intron after coding-DNA position 301, 4 bases deleted (GAGT; older notation c.301+956_301+959delGAGT).
Molecular consequence: intron variant. On other transcripts: splice donor variant (1).
Genome position (GRCh38, 1-based): chr1:25,802,116-25,802,119, GAGT deleted; deleting any 4 consecutive bases within chr1:25,802,115-25,802,119 gives the same sequence; the c. name uses the placement nearest the transcript's 3' end. VCF-style (leftmost placement, unchanged base first): chr1-25802114-CTGAG-C. GRCh37 (hg19) VCF-style: chr1-26128605-CTGAG-C.
Other names: c.402_403+2delGAGT (NM_020451.2, NM_020451.3); c.402_403+2del (NM_020451.3).
Identifiers: ClinVar variation 461633 (VCV000461633.25), dbSNP rs773670891, ClinGen allele CA696478.